The following is an entry in ClinVar:

ClinVar aggregate classification (germline): Conflicting classifications of pathogenicity. Review status: criteria provided, conflicting classifications (1 of 4 stars). 3 submissions from 3 submitters: Likely pathogenic (2); Uncertain significance (1). Last evaluated 2025-11-25.

Conditions:
Hereditary cancer-predisposing syndrome. Also called: Neoplastic Syndromes, Hereditary; Tumor predisposition; Hereditary neoplastic syndrome; Hereditary Cancer Syndrome. Identifiers: Orphanet 140162, MedGen C0027672, MeSH D009386, MONDO:0015356.
Familial cancer of breast. Also called: BREAST CANCER, FAMILIAL; Hereditary breast cancer; hereditary breast carcinoma. Identifiers: Orphanet 227535, MedGen C0346153, MONDO:0016419, OMIM 114480. Disease mechanism: loss of function.

Allele frequency attached by ClinVar (database versions not stated): TOPMed below 0.00001; gnomAD 0.00001.
gnomAD v4.1: 1 of 1,588,832 alleles (0.000063%); highest among the groups gnomAD compares: African/African-American, 0.0013%; no homozygotes.

Submissions (3):

Ambry Genetics
Classification: Likely pathogenic for Hereditary cancer-predisposing syndrome. Last evaluated: 2025-11-25. Review status: criteria provided, single submitter. Criteria: Ambry Variant Classification Scheme 2023. Collection method: clinical testing. Allele origin: germline.
Comment: The c.792+5G>C intronic variant results from a G to C substitution 5 nucleotides after coding exon 5 in the CHEK2 gene. This nucleotide position is highly conserved in available vertebrate species. In silico splice site analysis predicts that this alteration will weaken the native splice donor site. RNA studies have demonstrated that this alteration results in abnormal splicing in the set of samples tested (Ambry internal data). This variant is considered to be rare based on population cohorts in the Genome Aggregation Database (gnomAD). Based on the majority of available evidence to date, this variant is likely to be pathogenic.

Labcorp Genetics (formerly Invitae), Labcorp
Classification: Likely pathogenic for Familial cancer of breast. Last evaluated: 2023-07-10. Review status: criteria provided, single submitter. Criteria: Invitae Variant Classification Sherloc (09022015). Collection method: clinical testing. Allele origin: germline.
Comment: This sequence change falls in intron 6 of the CHEK2 gene. It does not directly change the encoded amino acid sequence of the CHEK2 protein. RNA analysis indicates that this variant induces altered splicing and may result in an absent or disrupted protein product. In summary, the currently available evidence indicates that the variant is pathogenic, but additional data are needed to prove that conclusively. Therefore, this variant has been classified as Likely Pathogenic. Variants that disrupt the consensus splice site are a relatively common cause of aberrant splicing (PMID: 17576681, 9536098). Studies have shown that this variant results in activation of a cryptic splice site and introduces a premature termination codon (Invitae). The resulting mRNA is expected to undergo nonsense-mediated decay. ClinVar contains an entry for this variant (Variation ID: 827336). This variant has not been reported in the literature in individuals affected with CHEK2-related conditions. This variant is not present in population databases (gnomAD no frequency).

Color Diagnostics, LLC DBA Color Health
Classification: Uncertain significance for Hereditary cancer-predisposing syndrome. Last evaluated: 2019-02-12. Review status: criteria provided, single submitter. Criteria: ACMG Guidelines, 2015. Collection method: clinical testing. Allele origin: germline.

Literature cited by the submitters: PubMed 17576681 (cited by Labcorp Genetics (formerly Invitae), Labcorp); PubMed 9536098 (cited by Labcorp Genetics (formerly Invitae), Labcorp).

NM_007194.4(CHEK2):c.792+5G>C

Gene: CHEK2 (checkpoint kinase 2; minus strand). Cytogenetic location: 22q12.1.
Variant type: single nucleotide variant.
Coding change: c.792+5G>C on transcript NM_007194.4 (MANE Select); 5 bases into the intron after coding-DNA position 792, G replaced by C.
Molecular consequence: intron variant.
Genome position (GRCh38, 1-based): chr22:28,711,904, C>G on the plus strand (G>C on the coding strand, the complement: CHEK2 is on the minus strand). VCF-style: chr22-28711904-C-G. GRCh37 (hg19) VCF-style: chr22-29107892-C-G.
Other names: c.129+5G>C (NM_001437942.1, NM_001257387.3); c.591+5G>C (NM_001349956.3); c.792+5G>C (NM_145862.3); c.885+5G>C (NM_001438295.1, NM_001438293.1); c.921+5G>C (NM_001438294.1, NM_001005735.3).
Identifiers: ClinVar variation 827336 (VCV000827336.16), dbSNP rs876658514, ClinGen allele CA752182476.